The following is an entry in ClinVar:

ClinVar aggregate classification (germline): Uncertain significance. Review status: criteria provided, multiple submitters, no conflicts (2 of 4 stars). 2 submissions from 2 submitters: Uncertain significance (2). Last evaluated 2024-08-08.

Conditions:
Inborn genetic diseases. Identifiers: MedGen C0950123, MeSH D030342.

Submissions (2):

Ambry Genetics
Classification: Uncertain significance for Inborn genetic diseases. Last evaluated: 2024-08-08. Review status: criteria provided, single submitter. Criteria: Ambry Variant Classification Scheme 2023. Collection method: clinical testing. Allele origin: germline.
Comment: The p.L594I variant (also known as c.1780C>A), located in coding exon 8 of the ATR gene, results from a C to A substitution at nucleotide position 1780. The leucine at codon 594 is replaced by isoleucine, an amino acid with highly similar properties. This amino acid position is conserved. In addition, this alteration is predicted to be tolerated by in silico analysis. Based on the available evidence, the clinical significance of this variant remains unclear.

Labcorp Genetics (formerly Invitae), Labcorp
Classification: Uncertain significance. Last evaluated: 2024-03-24. Review status: criteria provided, single submitter. Criteria: Invitae Variant Classification Sherloc (09022015). Collection method: clinical testing. Allele origin: germline.
Comment: This sequence change replaces leucine, which is neutral and non-polar, with isoleucine, which is neutral and non-polar, at codon 594 of the ATR protein (p.Leu594Ile). This variant is not present in population databases (gnomAD no frequency). This variant has not been reported in the literature in individuals affected with ATR-related conditions. An algorithm developed to predict the effect of missense changes on protein structure and function (PolyPhen-2) suggests that this variant is likely to be tolerated. In summary, the available evidence is currently insufficient to determine the role of this variant in disease. Therefore, it has been classified as a Variant of Uncertain Significance.

NM_001184.4(ATR):c.1780C>A (p.Leu594Ile)

Gene: ATR (ATR checkpoint kinase; minus strand). Cytogenetic location: 3q23.
Variant type: single nucleotide variant.
Coding change: c.1780C>A on transcript NM_001184.4 (MANE Select); coding-DNA position 1780, C replaced by A.
Protein change: p.Leu594Ile; replaces leucine 594 with isoleucine.
Molecular consequence: missense variant.
Genome position (GRCh38, 1-based): chr3:142,558,729, G>T on the plus strand (C>A on the coding strand, the complement: ATR is on the minus strand). VCF-style: chr3-142558729-G-T. GRCh37 (hg19) VCF-style: chr3-142277571-G-T.
Other names: c.1588C>A, p.Leu530Ile (NM_001354579.2); short protein forms L530I, L594I.
Identifiers: ClinVar variation 3462520 (VCV003462520.3).